The following is an entry in ClinVar:

ClinVar aggregate classification (germline): Uncertain significance (1 of 4 stars; one submission).

Submission:

Labcorp Genetics (formerly Invitae), Labcorp
Classification: Uncertain significance. Last evaluated: 2022-05-30. Review status: criteria provided, single submitter. Criteria: Invitae Variant Classification Sherloc (09022015). Collection method: clinical testing. Allele origin: germline.
Comment: This variant is not present in population databases (gnomAD no frequency). This sequence change affects codon 718 of the TUBGCP6 mRNA. It is a 'silent' change, meaning that it does not change the encoded amino acid sequence of the TUBGCP6 protein. This variant also falls at the last nucleotide of exon 12, which is part of the consensus splice site for this exon. This variant has not been reported in the literature in individuals affected with TUBGCP6-related conditions. In summary, the available evidence is currently insufficient to determine the role of this variant in disease. Therefore, it has been classified as a Variant of Uncertain Significance. Variants that disrupt the consensus splice site are a relatively common cause of aberrant splicing (PMID: 17576681, 9536098). Algorithms developed to predict the effect of sequence changes on RNA splicing suggest that this variant may disrupt the consensus splice site.

Literature cited by the submitters: PubMed 17576681; PubMed 9536098.

NM_020461.4(TUBGCP6):c.2154G>A (p.Glu718=)

Gene: TUBGCP6 (tubulin gamma complex component 6; minus strand). Cytogenetic location: 22q13.33.
Variant type: single nucleotide variant.
Coding change: c.2154G>A on transcript NM_020461.4 (MANE Select); coding-DNA position 2154, G replaced by A.
Protein change: p.Glu718=; no amino-acid change (glutamic acid 718 retained).
Molecular consequence: synonymous variant.
Genome position (GRCh38, 1-based): chr22:50,224,332, C>T on the plus strand (G>A on the coding strand, the complement: TUBGCP6 is on the minus strand). VCF-style: chr22-50224332-C-T. GRCh37 (hg19) VCF-style: chr22-50662761-C-T.
Identifiers: ClinVar variation 2001122 (VCV002001122.4), dbSNP rs2519147293, ClinGen allele CA515376751.